The following is an entry in ClinVar:

NM_001242908.2(RSPO1):c.199A>G (p.Asn67Asp)

Gene: RSPO1 (R-spondin 1; minus strand). Cytogenetic location: 1p34.3.
Variant type: single nucleotide variant.
Coding change: c.199A>G on transcript NM_001242908.2 (MANE Select); coding-DNA position 199, A replaced by G.
Protein change: p.Asn67Asp; replaces asparagine 67 with aspartic acid.
Molecular consequence: missense variant.
Genome position (GRCh38, 1-based): chr1:37,616,571, T>C on the plus strand (A>G on the coding strand, the complement: RSPO1 is on the minus strand). VCF-style: chr1-37616571-T-C. GRCh37 (hg19) VCF-style: chr1-38082243-T-C.
Other names: c.199A>G, p.Asn67Asp (NM_001038633.4, NM_001242910.2); c.118A>G, p.Asn40Asp (NM_001242909.2); short protein forms N40D, N67D.
Identifiers: ClinVar variation 1306654 (VCV001306654.3), dbSNP rs759703981, ClinGen allele CA772706.

ClinVar aggregate classification (germline): Uncertain significance. Review status: criteria provided, multiple submitters, no conflicts (2 of 4 stars). 2 submissions from 2 submitters: Uncertain significance (2). Last evaluated 2025-10-15.

Conditions:
Inborn genetic diseases. Identifiers: MedGen C0950123, MeSH D030342.

Allele frequency attached by ClinVar (database versions not stated): gnomAD 0.00001; ExAC 0.00002; gnomAD exomes 0.00001 and 0.00002; TOPMed 0.00002.
gnomAD v4.1: 10 of 1,613,984 alleles (0.00062%); highest among the groups gnomAD compares: Admixed American, 0.0017%; no homozygotes.

Submissions (2):

Ambry Genetics
Classification: Uncertain significance for Inborn genetic diseases. Last evaluated: 2025-10-15. Review status: criteria provided, single submitter. Criteria: Ambry Variant Classification Scheme 2023. Collection method: clinical testing. Allele origin: germline.

GeneDx
Classification: Uncertain significance. Last evaluated: 2019-07-10. Review status: criteria provided, single submitter. Criteria: GeneDx Variant Classification Process June 2021. Collection method: clinical testing. Allele origin: germline. Affected: yes.
Comment: Not observed at a significant frequency in large population cohorts (Lek et al., 2016); In silico analysis, which includes protein predictors and evolutionary conservation, supports that this variant does not alter protein structure/function; Has not been previously published as pathogenic or benign to our knowledge